The following is an entry in ClinVar:

NM_001458.5(FLNC):c.7364A>G (p.Tyr2455Cys)

Genes: FLNC (filamin C; plus strand), FLNC-AS1 (FLNC antisense RNA 1; minus strand). Cytogenetic location: 7q32.1.
Variant type: single nucleotide variant.
Coding change: c.7364A>G on transcript NM_001458.5 (MANE Select); coding-DNA position 7364, A replaced by G.
Protein change: p.Tyr2455Cys; replaces tyrosine 2455 with cysteine.
Molecular consequence: missense variant.
Genome position (GRCh38, 1-based): chr7:128,856,630, A>G. VCF-style: chr7-128856630-A-G. GRCh37 (hg19) VCF-style: chr7-128496684-A-G.
Other names: c.7265A>G, p.Tyr2422Cys (NM_001127487.2); short protein forms Y2455C, Y2422C.
Identifiers: ClinVar variation 659356 (VCV000659356.17), dbSNP rs769298304, ClinGen allele CA166194813.

ClinVar aggregate classification (germline): Conflicting classifications of pathogenicity. Review status: criteria provided, conflicting classifications (1 of 4 stars). 5 submissions from 5 submitters: Uncertain significance (4); Likely benign (1). Last evaluated 2025-11-23.

Conditions:
Hypertrophic cardiomyopathy 26. Also called: Cardiomyopathy, familial hypertrophic, 26. Identifiers: Orphanet 75249, MedGen C4310749, MONDO:0014883, OMIM 617047.
Myofibrillar myopathy 5. Also called: Filaminopathy (type); FILAMINOPATHY, AUTOSOMAL DOMINANT. Identifiers: Orphanet 171445, MedGen C1836050, MONDO:0012289, OMIM 609524.
Distal myopathy with posterior leg and anterior hand involvement. Also called: WILLIAMS DISTAL MYOPATHY. Identifiers: Orphanet 63273, MedGen C3279722, MONDO:0013550, OMIM 614065.
Cardiovascular phenotype. Identifiers: MedGen CN230736.

Allele frequency attached by ClinVar (database versions not stated): gnomAD 0.00001; gnomAD exomes 0.00001 and 0.00002; TOPMed 0.00002.
gnomAD v4.1: 10 of 1,612,798 alleles (0.00062%); highest among the groups gnomAD compares: Admixed American, 0.0067%; no homozygotes.

Submissions (5):

Labcorp Genetics (formerly Invitae), Labcorp
Classification: Likely benign for Distal myopathy with posterior leg and anterior hand involvement; Myofibrillar myopathy 5; Hypertrophic cardiomyopathy 26. Last evaluated: 2025-11-23. Review status: criteria provided, single submitter. Criteria: Invitae Variant Classification Sherloc (09022015). Collection method: clinical testing. Allele origin: germline.

Molecular Diagnostic Laboratory for Inherited Cardiovascular Disease, Montreal Heart Institute
Classification: Uncertain significance for Cardiovascular phenotype. Last evaluated: 2025-04-09. Review status: criteria provided, single submitter. Criteria: ACMG Guidelines, 2015. Collection method: clinical testing. Allele origin: germline. Affected: yes.

Ambry Genetics
Classification: Uncertain significance for Cardiovascular phenotype. Last evaluated: 2024-01-22. Review status: criteria provided, single submitter. Criteria: Ambry Variant Classification Scheme 2023. Collection method: clinical testing. Allele origin: germline.
Comment: The p.Y2455C variant (also known as c.7364A>G), located in coding exon 44 of the FLNC gene, results from an A to G substitution at nucleotide position 7364. The tyrosine at codon 2455 is replaced by cysteine, an amino acid with highly dissimilar properties. This amino acid position is conserved. In addition, the in silico prediction for this alteration is inconclusive. Since supporting evidence is limited at this time, the clinical significance of this alteration remains unclear.

GeneDx
Classification: Uncertain significance. Last evaluated: 2023-07-18. Review status: criteria provided, single submitter. Criteria: GeneDx Variant Classification Process June 2021. Collection method: clinical testing. Allele origin: germline. Affected: yes.
Comment: Has not been previously published as pathogenic or benign to our knowledge; In silico analysis supports that this missense variant has a deleterious effect on protein structure/function

Revvity Omics, Revvity
Classification: Uncertain significance. Last evaluated: 2019-08-21. Review status: criteria provided, single submitter. Criteria: ACMG Guidelines, 2015. Collection method: clinical testing. Allele origin: germline.